The following is an entry in ClinVar:

NM_001044385.3(TMEM237):c.204A>G (p.Ser68=)

Gene: TMEM237 (transmembrane protein 237; minus strand). Cytogenetic location: 2q33.1.
Variant type: single nucleotide variant.
Coding change: c.204A>G on transcript NM_001044385.3 (MANE Select); coding-DNA position 204, A replaced by G.
Protein change: p.Ser68=; no amino-acid change (serine 68 retained).
Molecular consequence: synonymous variant.
Genome position (GRCh38, 1-based): chr2:201,636,818, T>C on the plus strand (A>G on the coding strand, the complement: TMEM237 is on the minus strand). VCF-style: chr2-201636818-T-C. GRCh37 (hg19) VCF-style: chr2-202501541-T-C.
Other names: c.180A>G, p.Ser60= (NM_152388.4).
Identifiers: ClinVar variation 1619566 (VCV001619566.25), dbSNP rs2105902357, ClinGen allele CA430669975.

ClinVar aggregate classification (germline): Likely benign. Review status: criteria provided, multiple submitters, no conflicts (2 of 4 stars). 2 submissions from 2 submitters: Likely benign (2). Last evaluated 2024-07-01.

Conditions:
Joubert syndrome 14 (JBTS14). Identifiers: MedGen C3280766, MONDO:0013745, OMIM 614424.

Submissions (2):

CeGaT Center for Human Genetics Tuebingen
Classification: Likely benign. Last evaluated: 2024-07-01. Review status: criteria provided, single submitter. Criteria: CeGaT Center For Human Genetics Tuebingen Variant Classification Criteria Version 2. Collection method: clinical testing. Allele origin: germline. Affected: yes. Observed: 1 variant allele.
Comment: TMEM237: PM2:Supporting, BP4, BP7

Labcorp Genetics (formerly Invitae), Labcorp
Classification: Likely benign for Joubert syndrome 14. Last evaluated: 2021-11-28. Review status: criteria provided, single submitter. Criteria: Invitae Variant Classification Sherloc (09022015). Collection method: clinical testing. Allele origin: germline.